The following is an entry in ClinVar:

ClinVar aggregate classification (germline): Likely benign (1 of 4 stars; one submission).

Conditions:
Familial hypercholesterolemia. Also called: Familial hypercholesterolaemia. Identifiers: MedGen C0020445, MONDO:0005439.

Submission:

GENinCode PLC
Classification: Likely benign for Familial hypercholesterolemia. Last evaluated: 2025-02-24. Review status: criteria provided, single submitter. Criteria: ACMG Guidelines, 2015. Collection method: clinical testing. Allele origin: germline.
Comment: This is a synonymous (silent) variant that is not predicted to impact splicing and occurs at a nucleotide which is not highly conserved. This variant has been classified as Likely Benign (BP4, BP7).

NM_000384.3(APOB):c.6582G>A (p.Leu2194=)

Gene: APOB (apolipoprotein B; minus strand). Cytogenetic location: 2p24.1.
Variant type: single nucleotide variant.
Coding change: c.6582G>A on transcript NM_000384.3 (MANE Select); coding-DNA position 6582, G replaced by A.
Protein change: p.Leu2194=; no amino-acid change (leucine 2194 retained).
Molecular consequence: synonymous variant.
Genome position (GRCh38, 1-based): chr2:21,010,286, C>T on the plus strand (G>A on the coding strand, the complement: APOB is on the minus strand). VCF-style: chr2-21010286-C-T. GRCh37 (hg19) VCF-style: chr2-21233158-C-T.
Identifiers: ClinVar variation 4076997 (VCV004076997.1).